The following is an entry in ClinVar:

ClinVar aggregate classification (germline): Uncertain significance. Review status: criteria provided, multiple submitters, no conflicts (2 of 4 stars). 2 submissions from 2 submitters: Uncertain significance (2). Last evaluated 2024-02-22.

Conditions:
Cardiomyopathy (CMYO). Also called: Cardiomyopathies. Identifiers: Orphanet 167848, MedGen C0878544, MONDO:0004994, HP:0001638. Inheritance: Various modes of inheritance.
Arrhythmogenic cardiomyopathy with wooly hair and keratoderma. Also called: PALMOPLANTAR KERATODERMA WITH LEFT VENTRICULAR CARDIOMYOPATHY AND WOOLLY HAIR; Carvajal syndrome; Dilated cardiomyopathy with woolly hair and keratoderma; Arrhythmogenic cardiomyopathy with woolly hair and keratoderma. Identifiers: Orphanet 65282, MedGen C1854063, MONDO:0011581, OMIM 605676.

Submissions (2):

All of Us Research Program, National Institutes of Health
Classification: Uncertain significance for Arrhythmogenic cardiomyopathy with wooly hair and keratoderma. Last evaluated: 2024-02-22. Review status: criteria provided, single submitter. Criteria: ACMG Guidelines, 2015. Collection method: clinical testing. Allele origin: germline. Inheritance: Autosomal dominant inheritance. Observed: 1 variant allele, 1 heterozygote.
Comment: This missense variant replaces serine with asparagine at codon 1404 of the DSP protein. Computational prediction tools indicate that this variant has a neutral impact on protein structure and function. To our knowledge, functional studies have not been reported for this variant. This variant has not been reported in individuals affected with DSP-related disorders in the literature. This variant has not been identified in the general population by the Genome Aggregation Database (gnomAD). The available evidence is insufficient to determine the role of this variant in disease conclusively. Therefore, this variant is classified as a Variant of Uncertain Significance.

This study involves interpretation of variants in research participants for the purpose of population health screening. Participant phenotype was not available at the time of variant classification. Additional details can be found in publication PMID: 35346344, PMCID: PMC8962531

Color Diagnostics, LLC DBA Color Health
Classification: Uncertain significance for Cardiomyopathy. Last evaluated: 2024-02-12. Review status: criteria provided, single submitter. Criteria: ACMG Guidelines, 2015. Collection method: clinical testing. Allele origin: germline.
Comment: This missense variant replaces serine with asparagine at codon 1404 of the DSP protein. Computational prediction tools indicate that this variant has a neutral impact on protein structure and function. To our knowledge, functional studies have not been reported for this variant. This variant has not been reported in individuals affected with DSP-related disorders in the literature. This variant has not been identified in the general population by the Genome Aggregation Database (gnomAD). The available evidence is insufficient to determine the role of this variant in disease conclusively. Therefore, this variant is classified as a Variant of Uncertain Significance.

NM_004415.4(DSP):c.4211G>A (p.Ser1404Asn)

Gene: DSP (desmoplakin; plus strand). Cytogenetic location: 6p24.3.
Variant type: single nucleotide variant.
Coding change: c.4211G>A on transcript NM_004415.4 (MANE Select); coding-DNA position 4211, G replaced by A.
Protein change: p.Ser1404Asn; replaces serine 1404 with asparagine.
Molecular consequence: missense variant. On other transcripts: intron variant (2).
Genome position (GRCh38, 1-based): chr6:7,580,401, G>A. VCF-style: chr6-7580401-G-A. GRCh37 (hg19) VCF-style: chr6-7580634-G-A.
Other names: c.4050+161G>A (NM_001319034.2); c.3582+629G>A (NM_001008844.3); short protein forms S1404N.
Identifiers: ClinVar variation 921258 (VCV000921258.5), dbSNP rs1759389281, ClinGen allele CA362685798.
Genomic context (GRCh38, chr6:7,580,401, plus strand): 5'-AGGAAGAGGATACCAGTGGCTACCGGGCTCAGATAGACAATCTCACCCGAGAAAACAGGA[G>A]CTTATCTGAAGAAATAAAGAGGCTGAAGAACACTCTAACCCAGACCACAGAGAATCTCAG-3'
Protein context (NP_004406.2, residues 1394-1414): QIDNLTRENR[Ser1404Asn]LSEEIKRLKN